The following is an entry in ClinVar:

NM_024408.4(NOTCH2):c.1918G>T (p.Val640Phe)

Gene: NOTCH2 (notch receptor 2; minus strand). Cytogenetic location: 1p12.
Variant type: single nucleotide variant.
Coding change: c.1918G>T on transcript NM_024408.4 (MANE Select); coding-DNA position 1918, G replaced by T.
Protein change: p.Val640Phe; replaces valine 640 with phenylalanine.
Molecular consequence: missense variant.
Genome position (GRCh38, 1-based): chr1:119,959,500, C>A on the plus strand (G>T on the coding strand, the complement: NOTCH2 is on the minus strand). VCF-style: chr1-119959500-C-A. GRCh37 (hg19) VCF-style: chr1-120502123-C-A.
Other names: c.1918G>T, p.Val640Phe (NM_001200001.2); short protein forms V640F.
Identifiers: ClinVar variation 3588704 (VCV003588704.2).

ClinVar aggregate classification (germline): Uncertain significance. Review status: criteria provided, multiple submitters, no conflicts (2 of 4 stars). 2 submissions from 2 submitters: Uncertain significance (2). Last evaluated 2025-05-19.

Conditions:
Alagille syndrome due to a NOTCH2 point mutation. Also called: Alagille syndrome 2. Identifiers: Orphanet 261629, Orphanet 52, MedGen C1857761, MONDO:0012439, OMIM 610205.
Hajdu-Cheney syndrome (HJCYS). Also called: ACROOSTEOLYSIS WITH OSTEOPOROSIS AND CHANGES IN SKULL AND MANDIBLE; Acroosteolysis dominant type; SERPENTINE FIBULA-POLYCYSTIC KIDNEY SYNDROME. Identifiers: Orphanet 955, MedGen C0917715, MONDO:0007057, OMIM 102500.

gnomAD v4.1: 10 of 1,554,208 alleles (0.00064%); highest among the groups gnomAD compares: Admixed American, 0.0017%; no homozygotes.

Submissions (2):

Labcorp Genetics (formerly Invitae), Labcorp
Classification: Uncertain significance for Hajdu-Cheney syndrome. Last evaluated: 2025-05-19. Review status: criteria provided, single submitter. Criteria: Invitae Variant Classification Sherloc (09022015). Collection method: clinical testing. Allele origin: germline.
Comment: This sequence change replaces valine, which is neutral and non-polar, with phenylalanine, which is neutral and non-polar, at codon 640 of the NOTCH2 protein (p.Val640Phe). This variant is present in population databases (rs782463006, gnomAD 0.005%). This variant has not been reported in the literature in individuals affected with NOTCH2-related conditions. ClinVar contains an entry for this variant (Variation ID: 3588704). An algorithm developed to predict the effect of missense changes on protein structure and function (PolyPhen-2) suggests that this variant is likely to be tolerated. In summary, the available evidence is currently insufficient to determine the role of this variant in disease. Therefore, it has been classified as a Variant of Uncertain Significance.

Fulgent Genetics
Classification: Uncertain significance for Hajdu-Cheney syndrome; Alagille syndrome due to a NOTCH2 point mutation. Last evaluated: 2024-01-20. Review status: criteria provided, single submitter. Criteria: ACMG Guidelines, 2015. Collection method: clinical testing. Allele origin: germline.